The following is an entry in ClinVar:

NM_002225.5(IVD):c.1127T>C (p.Ile376Thr)

Gene: IVD (isovaleryl-CoA dehydrogenase; plus strand). Cytogenetic location: 15q15.1.
Variant type: single nucleotide variant.
Coding change: c.1127T>C on transcript NM_002225.5 (MANE Select); coding-DNA position 1127, T replaced by C.
Protein change: p.Ile376Thr; replaces isoleucine 376 with threonine.
Molecular consequence: missense variant. On other transcripts: non-coding transcript variant (1).
Genome position (GRCh38, 1-based): chr15:40,416,351, T>C. VCF-style: chr15-40416351-T-C. GRCh37 (hg19) VCF-style: chr15-40708550-T-C.
Other names: c.1037T>C, p.Ile346Thr (NM_001159508.3); c.1079T>C, p.Ile360Thr (NM_001354597.3); c.1127T>C, p.Ile376Thr (NM_001354598.3, NM_001354601.3); c.1214T>C, p.Ile405Thr (NM_001354599.3, NM_001354600.3); short protein forms I346T, I360T, I376T, I405T.
Identifiers: ClinVar variation 4845905 (VCV004845905.1).

ClinVar aggregate classification (germline): Likely pathogenic (1 of 4 stars; one submission).

Conditions:
Isovaleryl-CoA dehydrogenase deficiency (IVA). Also called: ISOVALERIC ACID CoA DEHYDROGENASE DEFICIENCY; Classic Isovaleric Acidemia; Isovaleric acidemia; IVD DEFICIENCY. Identifiers: Orphanet 33, MedGen C0268575, MONDO:0009475, OMIM 243500.

Submission:

First Genomix Gene Laboratory, Genetic Diagnostics Department
Classification: Likely pathogenic for Isovaleryl-CoA dehydrogenase deficiency. Last evaluated: 2025-05-27. Review status: criteria provided, single submitter. Criteria: ACMG Guidelines, 2015. Collection method: clinical testing. Allele origin: germline. Inheritance: Autosomal recessive inheritance. Affected: no. Observed: 1 variant allele.